The following is an entry in ClinVar:

NM_001042492.3(NF1):c.4415T>C (p.Phe1472Ser)

Gene: NF1 (neurofibromin 1; plus strand). Cytogenetic location: 17q11.2.
Variant type: single nucleotide variant.
Coding change: c.4415T>C on transcript NM_001042492.3 (MANE Select); coding-DNA position 4415, T replaced by C.
Protein change: p.Phe1472Ser; replaces phenylalanine 1472 with serine.
Molecular consequence: missense variant.
Genome position (GRCh38, 1-based): chr17:31,259,114, T>C. VCF-style: chr17-31259114-T-C. GRCh37 (hg19) VCF-style: chr17-29586132-T-C.
Other names: c.4352T>C, p.Phe1451Ser (NM_000267.4); short protein forms F1451S, F1472S.
Identifiers: ClinVar variation 2040365 (VCV002040365.7), dbSNP rs1597745737, ClinGen allele CA398998968.

ClinVar aggregate classification (germline): Uncertain significance. Review status: criteria provided, multiple submitters, no conflicts (2 of 4 stars). 3 submissions from 3 submitters: Uncertain significance (3). Last evaluated 2025-06-18.

Conditions:
Neurofibromatosis, type 1 (NF1). Also called: Neurofibromatosis, type I; NEUROFIBROMATOSIS, TYPE I, SOMATIC; Peripheral type neurofibromatosis; VON RECKLINGHAUSEN DISEASE. Identifiers: Orphanet 636, MedGen C0027831, MONDO:0018975, OMIM 162200. Disease mechanism: loss of function.
Juvenile myelomonocytic leukemia (JMML). Also called: LEUKEMIA, JUVENILE MYELOMONOCYTIC, SOMATIC. Identifiers: Orphanet 86834, MedGen C0349639, MONDO:0011908, OMIM 607785, HP:0012209.
Hereditary cancer-predisposing syndrome. Also called: Hereditary Cancer Syndrome; Tumor predisposition; Neoplastic Syndromes, Hereditary; Hereditary neoplastic syndrome. Identifiers: Orphanet 140162, MedGen C0027672, MeSH D009386, MONDO:0015356.
Cardiovascular phenotype. Identifiers: MedGen CN230736.

Allele frequency attached by ClinVar (database versions not stated): TOPMed below 0.00001.
gnomAD v4.1: 1 of 1,601,900 alleles (0.000062%); no homozygotes.

Submissions (3):

Labcorp Genetics (formerly Invitae), Labcorp
Classification: Uncertain significance for Neurofibromatosis, type 1. Last evaluated: 2025-06-18. Review status: criteria provided, single submitter. Criteria: Invitae Variant Classification Sherloc (09022015). Collection method: clinical testing. Allele origin: germline.
Comment: This sequence change replaces phenylalanine, which is neutral and non-polar, with serine, which is neutral and polar, at codon 1451 of the NF1 protein (p.Phe1451Ser). This variant is not present in population databases (gnomAD no frequency). This variant has not been reported in the literature in individuals affected with NF1-related conditions. ClinVar contains an entry for this variant (Variation ID: 2040365). Invitae Evidence Modeling of protein sequence and biophysical properties (such as structural, functional, and spatial information, amino acid conservation, physicochemical variation, residue mobility, and thermodynamic stability) indicates that this missense variant is expected to disrupt NF1 protein function with a positive predictive value of 95%. In summary, the available evidence is currently insufficient to determine the role of this variant in disease. Therefore, it has been classified as a Variant of Uncertain Significance.

Ambry Genetics
Classification: Uncertain significance for Cardiovascular phenotype; Hereditary cancer-predisposing syndrome. Last evaluated: 2025-05-05. Review status: criteria provided, single submitter. Criteria: Ambry Variant Classification Scheme 2023. Collection method: clinical testing. Allele origin: germline.
Comment: The p.F1451S variant (also known as c.4352T>C), located in coding exon 32 of the NF1 gene, results from a T to C substitution at nucleotide position 4352. The phenylalanine at codon 1451 is replaced by serine, an amino acid with highly dissimilar properties. This amino acid position is highly conserved in available vertebrate species. In addition, this alteration is predicted to be deleterious by in silico analysis. Based on the available evidence, the clinical significance of this variant remains unclear.

Baylor Genetics
Classification: Uncertain significance for Juvenile myelomonocytic leukemia. Last evaluated: 2023-11-12. Review status: criteria provided, single submitter. Criteria: ACMG Guidelines, 2015. Collection method: clinical testing. Allele origin: unknown.